The following is an entry in ClinVar:

ClinVar aggregate classification (germline): Pathogenic. Review status: criteria provided, multiple submitters, no conflicts (2 of 4 stars). 3 submissions from 3 submitters: Pathogenic (2). 1 of the submissions does not count toward it. Last evaluated 2020-06-01.

Conditions:
Developmental and epileptic encephalopathy, 13 (DEE13). Also called: Early infantile epileptic encephalopathy 13; SCN8A-Related Epilepsy; Developmental and Epileptic Encephalopathy (SCN8A-DEE). Identifiers: Orphanet 442835, MedGen C3281191, MONDO:0013801, OMIM 614558.

Submissions (4):

CeGaT Center for Human Genetics Tuebingen
Classification: Pathogenic. Last evaluated: 2020-06-01. Review status: criteria provided, single submitter. Criteria: CeGaT Center For Human Genetics Tuebingen Variant Classification Criteria Version 2. Collection method: clinical testing. Allele origin: germline. Affected: yes. Observed: 1 variant allele.

Institute of Human Genetics, University of Leipzig Medical Center
Classification: Pathogenic for Developmental and epileptic encephalopathy, 13. Last evaluated: 2017-10-14. Review status: criteria provided, single submitter. Criteria: ACMG Guidelines, 2015. Collection method: clinical testing. Allele origin: germline. Affected: yes. Observed: 1 variant allele.
Comment: This variant was identified as de novo

Channelopathy-Associated Epilepsy Research Center
No classification provided (evidence only). Condition: Complex neurodevelopmental disorder. Review status: no classification provided. Collection method: literature only. Allele origin: not applicable. Functional consequence: Severe hyperpolarizing shift of voltage dependence of activation, Overall gain-of-function effect with respect to biophysical channel activity, Normal peak current, Normal voltage dependence of fast inactivation, Normal slope of fast inactivation, Normal fast inactivation, Normal rate of recovery from fast inactivation. Not counted in ClinVar's aggregate classification.
ClinVar note: "not provided" was previously submitted as the classification for the variant. However, the classification appeared to be based only on an observation of functional data so it was converted to no classification on 2025-07-30.

GeneReviews
No classification provided. Condition: Developmental and epileptic encephalopathy, 13. Review status: no classification provided. Collection method: literature only. Allele origin: germline. Affected: yes. Not counted in ClinVar's aggregate classification.

Literature cited by the submitters: PubMed 34431999 (cited by Channelopathy-Associated Epilepsy Research Center); PubMed 24888894 (cited by GeneReviews); NCBI Bookshelf NBK379665 (cited by GeneReviews).

NM_001330260.2(SCN8A):c.2537T>C (p.Phe846Ser)

Gene: SCN8A (sodium voltage-gated channel alpha subunit 8; plus strand). Cytogenetic location: 12q13.13.
Variant type: single nucleotide variant.
Coding change: c.2537T>C on transcript NM_001330260.2 (MANE Select); coding-DNA position 2537, T replaced by C.
Protein change: p.Phe846Ser; replaces phenylalanine 846 with serine.
Molecular consequence: missense variant.
Genome position (GRCh38, 1-based): chr12:51,762,669, T>C. VCF-style: chr12-51762669-T-C. GRCh37 (hg19) VCF-style: chr12-52156453-T-C.
Other names: c.2537T>C, p.Phe846Ser (NM_001177984.3, NM_001369788.1, NM_014191.4); short protein forms F846S.
Identifiers: ClinVar variation 253284 (VCV000253284.40), dbSNP rs879255700, ClinGen allele CA10586291.